The following is an entry in ClinVar:

ClinVar aggregate classification (germline): Uncertain significance (1 of 4 stars; one submission).

Conditions:
TMEM67-related disorder. Also called: TMEM67-related condition; TMEM67-related disorders. Identifiers: MedGen CN239423.

Submission:

3billion
Classification: Uncertain significance for TMEM67-related disorder. Last evaluated: 2025-01-24. Review status: criteria provided, single submitter. Criteria: ACMG Guidelines, 2015. Collection method: clinical testing. Allele origin: germline. Affected: yes.
Comment: The variant is not observed in the gnomAD v4.1.0 dataset. Predicted Consequence/Location: Missense variant In silico tool predictions suggest damaging effect of the variant on gene or gene product [REVEL: 0.78 (>=0.6, sensitivity 0.68 and specificity 0.92)]. Different missense changes at the same codon (p.Gln376Glu, p.Gln376Pro) have been reported to be associated with TMEM67-related disorder (ClinVar ID: VCV000001369, VCV000217719 /PMID: 16415887, 19574260). Therefore, this variant is classified as VUS according to the recommendation of ACMG/AMP guideline.

Literature cited by the submitters: PubMed 16415887.

NM_153704.6(TMEM67):c.1127A>G (p.Gln376Arg)

Gene: TMEM67 (transmembrane protein 67; plus strand). Cytogenetic location: 8q22.1.
Variant type: single nucleotide variant.
Coding change: c.1127A>G on transcript NM_153704.6 (MANE Select); coding-DNA position 1127, A replaced by G.
Protein change: p.Gln376Arg; replaces glutamine 376 with arginine.
Molecular consequence: missense variant. On other transcripts: non-coding transcript variant (1).
Genome position (GRCh38, 1-based): chr8:93,782,456, A>G. VCF-style: chr8-93782456-A-G. GRCh37 (hg19) VCF-style: chr8-94794684-A-G.
Other names: c.884A>G, p.Gln295Arg (NM_001142301.1); short protein forms Q295R, Q376R.
Identifiers: ClinVar variation 4293008 (VCV004293008.1).
Genomic context (GRCh38, chr8:93,782,456, plus strand): 5'-TTTGTCCAGACACAGAGACAAGGCTAAATGCTGCTTATTCATTTGGAACAACCTACCAAC[A>G]AAATGTAAGTTTGAACGATATTAGTCTATATTTTAGCTTTATTTTTCAAAATATCATGTC-3'
Protein context (NP_714915.3, residues 366-386): AAYSFGTTYQ[Gln376Arg]NCEIPISKIL